The following is an entry in ClinVar:

ClinVar aggregate classification (germline): Uncertain significance. Review status: criteria provided, multiple submitters, no conflicts (2 of 4 stars). 3 submissions from 3 submitters: Uncertain significance (3). Last evaluated 2024-02-22.

Conditions:
Inborn genetic diseases. Identifiers: MedGen C0950123, MeSH D030342.

Allele frequency attached by ClinVar (database versions not stated): gnomAD 0.00003; gnomAD exomes 0.00003; TOPMed 0.00006.
gnomAD v4.1: 108 of 1,536,324 alleles (0.007%); highest among the groups gnomAD compares: Non-Finnish European, 0.0087%; no homozygotes.

Submissions (3):

Ambry Genetics
Classification: Uncertain significance for Inborn genetic diseases. Last evaluated: 2024-02-22. Review status: criteria provided, single submitter. Criteria: Ambry Variant Classification Scheme 2023. Collection method: clinical testing. Allele origin: germline.

Labcorp Genetics (formerly Invitae), Labcorp
Classification: Uncertain significance. Last evaluated: 2021-09-01. Review status: criteria provided, single submitter. Criteria: Invitae Variant Classification Sherloc (09022015). Collection method: clinical testing. Allele origin: germline.
Comment: This sequence change replaces glutamic acid with lysine at codon 366 of the FAM20C protein (p.Glu366Lys). The glutamic acid residue is highly conserved and there is a small physicochemical difference between glutamic acid and lysine. This variant is not present in population databases (ExAC no frequency). This variant has not been reported in the literature in individuals affected with FAM20C-related conditions. ClinVar contains an entry for this variant (Variation ID: 287279). Algorithms developed to predict the effect of missense changes on protein structure and function (SIFT, PolyPhen-2, Align-GVGD) all suggest that this variant is likely to be tolerated. In summary, the available evidence is currently insufficient to determine the role of this variant in disease. Therefore, it has been classified as a Variant of Uncertain Significance.

Eurofins Ntd Llc (ga)
Classification: Uncertain significance. Last evaluated: 2016-04-27. Review status: criteria provided, single submitter. Criteria: EGL Classification Definitions 2015. Collection method: clinical testing. Allele origin: germline. Observed: 1 variant allele, 1 heterozygote.

NM_020223.4(FAM20C):c.1096G>A (p.Glu366Lys)

Gene: FAM20C (FAM20C golgi associated secretory pathway kinase; plus strand). Cytogenetic location: 7p22.3.
Variant type: single nucleotide variant.
Coding change: c.1096G>A on transcript NM_020223.4 (MANE Select); coding-DNA position 1096, G replaced by A.
Protein change: p.Glu366Lys; replaces glutamic acid 366 with lysine.
Molecular consequence: missense variant.
Genome position (GRCh38, 1-based): chr7:255,872, G>A. VCF-style: chr7-255872-G-A. GRCh37 (hg19) VCF-style: chr7-295838-G-A.
Other names: c.1096G>A (NM_020223.2); short protein forms E366K.
Identifiers: ClinVar variation 287279 (VCV000287279.10), dbSNP rs754919459, ClinGen allele CA10605729.